The following is an entry in ClinVar:

NM_153026.3(PRICKLE1):c.1600C>T (p.Arg534Trp)

Gene: PRICKLE1 (prickle planar cell polarity protein 1; minus strand). Cytogenetic location: 12q12.
Variant type: single nucleotide variant.
Coding change: c.1600C>T on transcript NM_153026.3 (MANE Select); coding-DNA position 1600, C replaced by T.
Protein change: p.Arg534Trp; replaces arginine 534 with tryptophan.
Molecular consequence: missense variant.
Genome position (GRCh38, 1-based): chr12:42,464,434, G>A on the plus strand (C>T on the coding strand, the complement: PRICKLE1 is on the minus strand). VCF-style: chr12-42464434-G-A. GRCh37 (hg19) VCF-style: chr12-42858236-G-A.
Other names: c.1600C>T, p.Arg534Trp (NM_001144881.2, NM_001144882.2, NM_001144883.2); short protein forms R534W.
Identifiers: ClinVar variation 469504 (VCV000469504.7), dbSNP rs936545109, ClinGen allele CA384441326.

ClinVar aggregate classification (germline): Uncertain significance. Review status: criteria provided, multiple submitters, no conflicts (2 of 4 stars). 2 submissions from 2 submitters: Uncertain significance (2). Last evaluated 2022-07-01.

Conditions:
Epilepsy, progressive myoclonic, 1B. Also called: PME. Identifiers: Orphanet 308, MedGen C2676254, MONDO:0012904, OMIM 612437.

gnomAD v4.1: 19 of 1,613,784 alleles (0.0012%); highest among the groups gnomAD compares: African/African-American, 0.0053%; no homozygotes.

Submissions (2):

Blueprint Genetics
Classification: Uncertain significance. Last evaluated: 2022-07-01. Review status: criteria provided, single submitter. Criteria: ACMG Guidelines, 2015. Collection method: clinical testing. Allele origin: germline.

Labcorp Genetics (formerly Invitae), Labcorp
Classification: Uncertain significance for Epilepsy, progressive myoclonic, 1B. Last evaluated: 2021-08-28. Review status: criteria provided, single submitter. Criteria: Invitae Variant Classification Sherloc (09022015). Collection method: clinical testing. Allele origin: germline.
Comment: This sequence change replaces arginine with tryptophan at codon 534 of the PRICKLE1 protein (p.Arg534Trp). The arginine residue is moderately conserved and there is a moderate physicochemical difference between arginine and tryptophan. This variant is not present in population databases (ExAC no frequency). This variant has not been reported in the literature in individuals affected with PRICKLE1-related conditions. Algorithms developed to predict the effect of missense changes on protein structure and function are either unavailable or do not agree on the potential impact of this missense change (SIFT: "Tolerated"; PolyPhen-2: "Possibly Damaging"; Align-GVGD: "Class C0"). In summary, the available evidence is currently insufficient to determine the role of this variant in disease. Therefore, it has been classified as a Variant of Uncertain Significance.